The following is an entry in ClinVar:

ClinVar aggregate classification (germline): Uncertain significance (1 of 4 stars; one submission).

Allele frequency attached by ClinVar (database versions not stated): gnomAD 0.00005; TOPMed 0.00006; ExAC 0.00009.

Submission:

Labcorp Genetics (formerly Invitae), Labcorp
Classification: Uncertain significance. Last evaluated: 2022-06-06. Review status: criteria provided, single submitter. Criteria: Invitae Variant Classification Sherloc (09022015). Collection method: clinical testing. Allele origin: germline.
Comment: In summary, the available evidence is currently insufficient to determine the role of this variant in disease. Therefore, it has been classified as a Variant of Uncertain Significance. Algorithms developed to predict the effect of missense changes on protein structure and function are either unavailable or do not agree on the potential impact of this missense change (SIFT: "Not Available"; PolyPhen-2: "Probably Damaging"; Align-GVGD: "Not Available"). This variant has not been reported in the literature in individuals affected with COLGALT1-related conditions. This variant is present in population databases (rs202070026, gnomAD 0.2%). This sequence change replaces arginine, which is basic and polar, with histidine, which is basic and polar, at codon 139 of the COLGALT1 protein (p.Arg139His).

NM_024656.4(COLGALT1):c.416G>A (p.Arg139His)

Gene: COLGALT1 (collagen beta(1-O)galactosyltransferase 1; plus strand). Cytogenetic location: 19p13.11.
Variant type: single nucleotide variant.
Coding change: c.416G>A on transcript NM_024656.4 (MANE Select); coding-DNA position 416, G replaced by A.
Protein change: p.Arg139His; replaces arginine 139 with histidine.
Molecular consequence: missense variant.
Genome position (GRCh38, 1-based): chr19:17,560,392, G>A. VCF-style: chr19-17560392-G-A. GRCh37 (hg19) VCF-style: chr19-17671201-G-A.
Other names: short protein forms R139H.
Identifiers: ClinVar variation 2189029 (VCV002189029.2), dbSNP rs202070026, ClinGen allele CA9296895.